The following is an entry in ClinVar:

NM_001100913.3(PACS2):c.2377T>G (p.Cys793Gly)

Gene: PACS2 (phosphofurin acidic cluster sorting protein 2; plus strand). Cytogenetic location: 14q32.33.
Variant type: single nucleotide variant.
Coding change: c.2377T>G on transcript NM_001100913.3 (MANE Select); coding-DNA position 2377, T replaced by G.
Protein change: p.Cys793Gly; replaces cysteine 793 with glycine.
Molecular consequence: missense variant.
Genome position (GRCh38, 1-based): chr14:105,392,740, T>G. VCF-style: chr14-105392740-T-G. GRCh37 (hg19) VCF-style: chr14-105859077-T-G.
Other names: c.2107T>G, p.Cys703Gly (NM_001243127.3); c.2332T>G, p.Cys778Gly (NM_015197.4); short protein forms C703G, C778G, C793G.
Identifiers: ClinVar variation 4537807 (VCV004537807.1).

ClinVar aggregate classification (germline): Uncertain significance (1 of 4 stars; one submission).

Submission:

GeneDx
Classification: Uncertain significance. Last evaluated: 2025-06-13. Review status: criteria provided, single submitter. Criteria: GeneDx Variant Classification Process June 2021. Collection method: clinical testing. Allele origin: germline. Affected: yes.
Comment: Not observed at significant frequency in large population cohorts (gnomAD); In silico analysis supports that this missense variant has a deleterious effect on protein structure/function; Has not been previously published as pathogenic or benign to our knowledge